The following is an entry in ClinVar:

ClinVar aggregate classification (germline): Uncertain significance (1 of 4 stars; one submission).

Conditions:
Generalized epilepsy with febrile seizures plus, type 7 (GEFSP7). Also called: GEFS+, TYPE 7. Identifiers: Orphanet 36387, MedGen C2751778, MONDO:0013470, OMIM 613863.
Neuropathy, hereditary sensory and autonomic, type 2A (HSAN2A). Also called: MORVAN DISEASE; NEUROPATHY, CONGENITAL SENSORY; NEUROPATHY, HEREDITARY SENSORY RADICULAR, AUTOSOMAL RECESSIVE; NEUROPATHY, HEREDITARY SENSORY, TYPE IIA; NEUROPATHY, PROGRESSIVE SENSORY, OF CHILDREN; WNK1-Related HSAN2 (HSAN2A). Identifiers: Orphanet 970, MedGen C2752089, MONDO:0024309, OMIM 201300.

Allele frequency attached by ClinVar (database versions not stated): gnomAD exomes below 0.00001; ExAC 0.00001; gnomAD 0.00001; TOPMed 0.00001.
gnomAD v4.1: 7 of 1,613,804 alleles (0.00043%); highest among the groups gnomAD compares: East Asian, 0.0022%; no homozygotes.

Submission:

Labcorp Genetics (formerly Invitae), Labcorp
Classification: Uncertain significance for Neuropathy, hereditary sensory and autonomic, type 2A; Generalized epilepsy with febrile seizures plus, type 7. Last evaluated: 2025-12-15. Review status: criteria provided, single submitter. Criteria: Invitae Variant Classification Sherloc (09022015). Collection method: clinical testing. Allele origin: germline.
Comment: This sequence change replaces arginine, which is basic and polar, with cysteine, which is neutral and slightly polar, at codon 911 of the SCN9A protein (p.Arg911Cys). This variant is present in population databases (rs774848595, gnomAD 0.004%). This missense change has been observed in individual(s) with clinical features of autosomal recessive SCN9A-related conditions (internal data). In at least one individual the data is consistent with being in trans (on the opposite chromosome) from a pathogenic variant. ClinVar contains an entry for this variant (Variation ID: 836792). Invitae Evidence Modeling of protein sequence and biophysical properties (such as structural, functional, and spatial information, amino acid conservation, physicochemical variation, residue mobility, and thermodynamic stability) has been performed for this missense variant. However, the output from this modeling did not meet the statistical confidence thresholds required to predict the impact of this variant on SCN9A protein function. In summary, the available evidence is currently insufficient to determine the role of this variant in disease. Therefore, it has been classified as a Variant of Uncertain Significance.

NM_001365536.1(SCN9A):c.2764C>T (p.Arg922Cys)

Genes: SCN1A-AS1 (SCN1A and SCN9A antisense RNA 1; plus strand), SCN9A (sodium voltage-gated channel alpha subunit 9; minus strand). Cytogenetic location: 2q24.3.
Variant type: single nucleotide variant.
Coding change: c.2764C>T on transcript NM_001365536.1 (MANE Select); coding-DNA position 2764, C replaced by T.
Protein change: p.Arg922Cys; replaces arginine 922 with cysteine.
Molecular consequence: missense variant. On other transcripts: non-coding transcript variant (1).
Genome position (GRCh38, 1-based): chr2:166,277,093, G>A on the plus strand (C>T on the coding strand, the complement: SCN9A is on the minus strand). VCF-style: chr2-166277093-G-A. GRCh37 (hg19) VCF-style: chr2-167133603-G-A.
Other names: c.2731C>T, p.Arg911Cys (NM_002977.4); short protein forms R911C, R922C.
Identifiers: ClinVar variation 836792 (VCV000836792.8), dbSNP rs774848595, ClinGen allele CA1944208.